The following is an entry in ClinVar:

NM_021620.4(PRDM13):c.1975C>T (p.Leu659Phe)

Gene: PRDM13 (PR/SET domain 13; plus strand). Cytogenetic location: 6q16.2.
Variant type: single nucleotide variant.
Coding change: c.1975C>T on transcript NM_021620.4 (MANE Select); coding-DNA position 1975, C replaced by T.
Protein change: p.Leu659Phe; replaces leucine 659 with phenylalanine.
Molecular consequence: missense variant.
Genome position (GRCh38, 1-based): chr6:99,614,610, C>T. VCF-style: chr6-99614610-C-T. GRCh37 (hg19) VCF-style: chr6-100062486-C-T.
Other names: short protein forms L659F.
Identifiers: ClinVar variation 1939985 (VCV001939985.5), dbSNP rs753136189, ClinGen allele CA3936475.

ClinVar aggregate classification (germline): Uncertain significance (1 of 4 stars; one submission).

Allele frequency attached by ClinVar (database versions not stated): ExAC 0.00001; gnomAD 0.00002; gnomAD exomes 0.00002; TOPMed 0.00002.
gnomAD v4.1: 15 of 1,612,466 alleles (0.00093%); highest among the groups gnomAD compares: Non-Finnish European, 0.0013%; no homozygotes.

Submission:

Labcorp Genetics (formerly Invitae), Labcorp
Classification: Uncertain significance. Last evaluated: 2022-12-16. Review status: criteria provided, single submitter. Criteria: Invitae Variant Classification Sherloc (09022015). Collection method: clinical testing. Allele origin: germline.
Comment: This variant has not been reported in the literature in individuals affected with PRDM13-related conditions. This sequence change replaces leucine, which is neutral and non-polar, with phenylalanine, which is neutral and non-polar, at codon 659 of the PRDM13 protein (p.Leu659Phe). This variant is present in population databases (rs753136189, gnomAD 0.002%). Algorithms developed to predict the effect of missense changes on protein structure and function (SIFT, PolyPhen-2, Align-GVGD) all suggest that this variant is likely to be tolerated. In summary, the available evidence is currently insufficient to determine the role of this variant in disease. Therefore, it has been classified as a Variant of Uncertain Significance.